The following is an entry in ClinVar:

NM_006088.6(TUBB4B):c.57+5G>C

Gene: TUBB4B (tubulin beta 4B class IVb; plus strand). Cytogenetic location: 9q34.3.
Variant type: single nucleotide variant.
Coding change: c.57+5G>C on transcript NM_006088.6 (MANE Select); 5 bases into the intron after coding-DNA position 57, G replaced by C.
Molecular consequence: intron variant.
Genome position (GRCh38, 1-based): chr9:137,241,422, G>C. VCF-style: chr9-137241422-G-C. GRCh37 (hg19) VCF-style: chr9-140135874-G-C.
Identifiers: ClinVar variation 4701201 (VCV004701201.1).

ClinVar aggregate classification (germline): Uncertain significance (1 of 4 stars; one submission).

gnomAD v4.1: 13 of 1,586,282 alleles (0.00082%); highest among the groups gnomAD compares: Non-Finnish European, 0.0011%; no homozygotes.

Submission:

Labcorp Genetics (formerly Invitae), Labcorp
Classification: Uncertain significance. Last evaluated: 2025-03-01. Review status: criteria provided, single submitter. Criteria: Invitae Variant Classification Sherloc (09022015). Collection method: clinical testing. Allele origin: germline.
Comment: This sequence change falls in intron 1 of the TUBB4B gene. It does not directly change the encoded amino acid sequence of the TUBB4B protein. It affects a nucleotide within the consensus splice site. The frequency data for this variant in the population databases is considered unreliable, as metrics indicate poor data quality at this position in the gnomAD database. This variant has not been reported in the literature in individuals affected with TUBB4B-related conditions. Variants that disrupt the consensus splice site are a relatively common cause of aberrant splicing (PMID: 17576681, 9536098). Algorithms developed to predict the effect of sequence changes on RNA splicing suggest that this variant is not likely to affect RNA splicing. In summary, the available evidence is currently insufficient to determine the role of this variant in disease. Therefore, it has been classified as a Variant of Uncertain Significance.

Literature cited by the submitters: PubMed 17576681; PubMed 9536098.